The following is an entry in ClinVar:

NM_001370348.2(PHF3):c.5375G>C (p.Ser1792Thr)

Gene: PHF3 (PHD finger protein 3; plus strand). Cytogenetic location: 6q12.
Variant type: single nucleotide variant.
Coding change: c.5375G>C on transcript NM_001370348.2 (MANE Select); coding-DNA position 5375, G replaced by C.
Protein change: p.Ser1792Thr; replaces serine 1792 with threonine.
Molecular consequence: missense variant.
Genome position (GRCh38, 1-based): chr6:63,712,963, G>C. VCF-style: chr6-63712963-G-C. GRCh37 (hg19) VCF-style: chr6-64422859-G-C.
Other names: c.5111G>C, p.Ser1704Thr (NM_001290259.2, NM_001370349.2); c.3182G>C, p.Ser1061Thr (NM_001370350.2); c.5375G>C, p.Ser1792Thr (NM_015153.4); short protein forms S1061T, S1704T, S1792T.
Identifiers: ClinVar variation 790578 (VCV000790578.5), dbSNP rs34644326, ClinGen allele CA3876520.

ClinVar aggregate classification (germline): Benign. Review status: criteria provided, single submitter (1 of 4 stars). 2 submissions from 2 submitters: Benign (1). 1 of the submissions does not count toward it. Last evaluated 2018-12-27.

Conditions:
PHF3-related disorder. Also called: PHF3-related condition.

Allele frequency attached by ClinVar (database versions not stated): 1000 Genomes Project 0.01398; ESP Exome Variant Server 0.01515; TOPMed 0.01535; 1000 Genomes Project 30x 0.01608.
gnomAD v4.1: 4,212 of 1,613,922 alleles (0.26%); highest among the groups gnomAD compares: African/African-American, 4.9%; 88 homozygotes.

Submissions (2):

Labcorp Genetics (formerly Invitae), Labcorp
Classification: Benign. Last evaluated: 2018-12-27. Review status: criteria provided, single submitter. Criteria: Invitae Variant Classification Sherloc (09022015). Collection method: clinical testing. Allele origin: germline.

PreventionGenetics, part of Exact Sciences
Classification: Benign for PHF3-related condition. Last evaluated: 2019-06-06. Review status: no assertion criteria provided. Collection method: clinical testing. Allele origin: germline. Not counted in ClinVar's aggregate classification.
Comment: This variant is classified as benign based on ACMG/AMP sequence variant interpretation guidelines (Richards et al. 2015 PMID: 25741868, with internal and published modifications).